The following is an entry in ClinVar:

ClinVar aggregate classification (germline): Likely benign. Review status: criteria provided, single submitter (1 of 4 stars). 2 submissions from 2 submitters: Likely benign (1). 1 of the submissions does not count toward it. Last evaluated 2025-09-14.

Conditions:
COL6A2-related disorder.
Bethlem myopathy 1A. Also called: Bethlem myopathy 1; Bethlem Muscular Dystrophy; MYOPATHY, BENIGN CONGENITAL, WITH CONTRACTURES. Identifiers: Orphanet 610, MedGen CN029274, MONDO:0024530, OMIM 158810.

Allele frequency attached by ClinVar (database versions not stated): ExAC 0.00001; gnomAD exomes 0.00001 and 0.00002.

Submissions (2):

Labcorp Genetics (formerly Invitae), Labcorp
Classification: Likely benign for Bethlem myopathy 1A. Last evaluated: 2025-09-14. Review status: criteria provided, single submitter. Criteria: Invitae Variant Classification Sherloc (09022015). Collection method: clinical testing. Allele origin: germline.

PreventionGenetics, part of Exact Sciences
Classification: Uncertain significance for COL6A2-related condition. Last evaluated: 2024-07-22. Review status: no assertion criteria provided. Collection method: clinical testing. Allele origin: germline. Not counted in ClinVar's aggregate classification.
Comment: The COL6A2 c.2892G>A variant is predicted to result in the amino acid substitution p.Met964Ile. To our knowledge, this variant has not been reported in the literature. This variant is reported in 0.0087% of alleles in individuals of Latino descent in gnomAD. At this time, the clinical significance of this variant is uncertain due to the absence of conclusive functional and genetic evidence.

NM_001849.4(COL6A2):c.2892G>A (p.Met964Ile)

Gene: COL6A2 (collagen type VI alpha 2 chain; plus strand). Cytogenetic location: 21q22.3.
Variant type: single nucleotide variant.
Coding change: c.2892G>A on transcript NM_001849.4 (MANE Select); coding-DNA position 2892, G replaced by A.
Protein change: p.Met964Ile; replaces methionine 964 with isoleucine.
Molecular consequence: missense variant.
Genome position (GRCh38, 1-based): chr21:46,132,384, G>A. VCF-style: chr21-46132384-G-A. GRCh37 (hg19) VCF-style: chr21-47552298-G-A.
Other names: short protein forms M964I.
Identifiers: ClinVar variation 657425 (VCV000657425.10), dbSNP rs747174626, ClinGen allele CA10073081.
Genomic context (GRCh38, chr21:46,132,384, plus strand): 5'-CGTGTTCCTCACGGACGGCGTCACGGGCAACGACAGTCTGCACGAGTCGGCGCACTCCAT[G>A]CGCAAGCAGAACGTGGTACCCACCGTGCTGGCCTTGGGCAGCGACGTGGACATGGACGTG-3'
Protein context (NP_001840.3, residues 954-974): NDSLHESAHS[Met964Ile]RKQNVVPTVL